The following is an entry in ClinVar:

ClinVar aggregate classification (germline): Uncertain significance. Review status: criteria provided, multiple submitters, no conflicts (2 of 4 stars). 2 submissions from 2 submitters: Uncertain significance (2). Last evaluated 2025-04-23.

Allele frequency attached by ClinVar (database versions not stated): ExAC 0.00001; gnomAD exomes 0.00001; gnomAD 0.00002; TOPMed 0.00004.
gnomAD v4.1: 10 of 1,614,004 alleles (0.00062%); highest among the groups gnomAD compares: Admixed American, 0.0083%; no homozygotes.

Submissions (2):

Labcorp Genetics (formerly Invitae), Labcorp
Classification: Uncertain significance. Last evaluated: 2025-04-23. Review status: criteria provided, single submitter. Criteria: Invitae Variant Classification Sherloc (09022015). Collection method: clinical testing. Allele origin: germline.
Comment: This sequence change replaces alanine, which is neutral and non-polar, with serine, which is neutral and polar, at codon 372 of the SULF1 protein (p.Ala372Ser). This variant is present in population databases (rs778061541, gnomAD 0.009%). This variant has not been reported in the literature in individuals affected with SULF1-related conditions. ClinVar contains an entry for this variant (Variation ID: 2056280). An algorithm developed to predict the effect of missense changes on protein structure and function (PolyPhen-2) suggests that this variant is likely to be disruptive. In summary, the available evidence is currently insufficient to determine the role of this variant in disease. Therefore, it has been classified as a Variant of Uncertain Significance.

Ambry Genetics
Classification: Uncertain significance. Last evaluated: 2024-05-28. Review status: criteria provided, single submitter. Criteria: Ambry Variant Classification Scheme 2023. Collection method: clinical testing. Allele origin: germline.

NM_001128205.2(SULF1):c.1114G>T (p.Ala372Ser)

Gene: SULF1 (sulfatase 1; plus strand). Cytogenetic location: 8q13.3.
Variant type: single nucleotide variant.
Coding change: c.1114G>T on transcript NM_001128205.2 (MANE Select); coding-DNA position 1114, G replaced by T.
Protein change: p.Ala372Ser; replaces alanine 372 with serine.
Molecular consequence: missense variant. On other transcripts: non-coding transcript variant (3).
Genome position (GRCh38, 1-based): chr8:69,603,244, G>T. VCF-style: chr8-69603244-G-T. GRCh37 (hg19) VCF-style: chr8-70515479-G-T.
Other names: c.1114G>T, p.Ala372Ser (NM_001128204.2, NM_001128206.2, NM_001412828.1 and 15 more transcripts); c.928G>T, p.Ala310Ser (NM_001412841.1, NM_001412842.1); c.514G>T, p.Ala172Ser (NM_001412844.1, NM_001412845.1); c.-662G>T (NM_001412846.1); c.1114G>T (NM_001128205.1); short protein forms A310S, A172S, A372S.
Identifiers: ClinVar variation 2056280 (VCV002056280.5), dbSNP rs778061541, ClinGen allele CA4775790.